The following is an entry in ClinVar:

ClinVar aggregate classification (germline): Uncertain significance (1 of 4 stars; one submission).

Conditions:
Hereditary cancer-predisposing syndrome. Also called: Hereditary Cancer Syndrome; Hereditary neoplastic syndrome; Neoplastic Syndromes, Hereditary; Tumor predisposition. Identifiers: Orphanet 140162, MedGen C0027672, MeSH D009386, MONDO:0015356.

Submission:

Ambry Genetics
Classification: Uncertain significance for Hereditary cancer-predisposing syndrome. Last evaluated: 2025-04-18. Review status: criteria provided, single submitter. Criteria: Ambry Variant Classification Scheme 2023. Collection method: clinical testing. Allele origin: germline.
Comment: The p.V294A variant (also known as c.881T>C), located in coding exon 4 of the MSH6 gene, results from a T to C substitution at nucleotide position 881. The valine at codon 294 is replaced by alanine, an amino acid with similar properties. This amino acid position is conserved. In addition, this alteration is predicted to be tolerated by in silico analysis. Based on the available evidence, the clinical significance of this variant remains unclear.

NM_000179.3(MSH6):c.881T>C (p.Val294Ala)

Gene: MSH6 (mutS homolog 6; plus strand). Cytogenetic location: 2p16.3.
Variant type: single nucleotide variant.
Coding change: c.881T>C on transcript NM_000179.3 (MANE Select); coding-DNA position 881, T replaced by C.
Protein change: p.Val294Ala; replaces valine 294 with alanine.
Molecular consequence: missense variant. On other transcripts: 5 prime UTR variant (9), non-coding transcript variant (4), intron variant (1).
Genome position (GRCh38, 1-based): chr2:47,798,864, T>C. VCF-style: chr2-47798864-T-C. GRCh37 (hg19) VCF-style: chr2-48026003-T-C.
Other names: c.491T>C, p.Val164Ala (NM_001281492.2); c.-26T>C (NM_001281493.2, NM_001281494.2, NM_001406811.1 and 6 more transcripts); c.977T>C, p.Val326Ala (NM_001406795.1, NM_001406802.1); c.881T>C, p.Val294Ala (NM_001406796.1, NM_001406798.1, NM_001406800.1 and 4 more transcripts); c.584T>C, p.Val195Ala (NM_001406797.1, NM_001406801.1, NM_001406805.1 and 10 more transcripts); c.356T>C, p.Val119Ala (NM_001406799.1, NM_001406806.1, NM_001406807.1); c.803T>C, p.Val268Ala (NM_001406804.1); c.887T>C, p.Val296Ala (NM_001406813.1); and 2 more; short protein forms V119A, V268A, V195A, V238A, V294A, V164A, V296A, V326A.
Identifiers: ClinVar variation 3913786 (VCV003913786.1).
Genomic context (GRCh38, chr2:47,798,864, plus strand): 5'-GCAGTGATGAAATAAGCAGTGGAGTGGGGGATAGTGAGAGTGAAGGCCTGAACAGCCCTG[T>C]CAAAGTTGCTCGAAAGCGGAAGAGAATGGTGACTGGAAATGGCTCTCTTAAAAGGAAAAG-3'
Protein context (NP_000170.1, residues 284-304): DSESEGLNSP[Val294Ala]KVARKRKRMV